The following is an entry in ClinVar:

NM_020791.4(TAOK1):c.620A>T (p.Asp207Val)

Gene: TAOK1 (TAO kinase 1; plus strand). Cytogenetic location: 17q11.2.
Variant type: single nucleotide variant.
Coding change: c.620A>T on transcript NM_020791.4 (MANE Select); coding-DNA position 620, A replaced by T.
Protein change: p.Asp207Val; replaces aspartic acid 207 with valine.
Molecular consequence: missense variant.
Genome position (GRCh38, 1-based): chr17:29,482,253, A>T. VCF-style: chr17-29482253-A-T. GRCh37 (hg19) VCF-style: chr17-27809271-A-T.
Other names: c.620A>T, p.Asp207Val (NM_025142.1); short protein forms D207V.
Identifiers: ClinVar variation 1311193 (VCV001311193.2), dbSNP rs2153026922, ClinGen allele CA399190937.

ClinVar aggregate classification (germline): Uncertain significance (1 of 4 stars; one submission).

Submission:

GeneDx
Classification: Uncertain significance. Last evaluated: 2020-01-23. Review status: criteria provided, single submitter. Criteria: GeneDx Variant Classification Process June 2021. Collection method: clinical testing. Allele origin: germline. Affected: yes.
Comment: Not observed in large population cohorts (Lek et al., 2016); In silico analysis, which includes protein predictors and evolutionary conservation, supports a deleterious effect; Has not been previously published as pathogenic or benign to our knowledge; Variants in candidate genes are classified as variants of uncertain significance in accordance with ACMG guidelines (Richards et al., 2015)